The following is an entry in ClinVar:

NM_004260.4(RECQL4):c.1804G>C (p.Ala602Pro)

Gene: RECQL4 (RecQ like helicase 4; minus strand). Cytogenetic location: 8q24.3.
Variant type: single nucleotide variant.
Coding change: c.1804G>C on transcript NM_004260.4 (MANE Select); coding-DNA position 1804, G replaced by C.
Protein change: p.Ala602Pro; replaces alanine 602 with proline.
Molecular consequence: missense variant.
Genome position (GRCh38, 1-based): chr8:144,514,263, C>G on the plus strand (G>C on the coding strand, the complement: RECQL4 is on the minus strand). VCF-style: chr8-144514263-C-G. GRCh37 (hg19) VCF-style: chr8-145739647-C-G.
Other names: c.1708G>C, p.Ala570Pro (NM_001413017.1, NM_001413020.1); c.1804G>C, p.Ala602Pro (NM_001413018.1, NM_001413019.1, NM_001413036.1); c.733G>C, p.Ala245Pro (NM_001413021.1, NM_001413022.1, NM_001413023.1 and 6 more transcripts); c.1675G>C, p.Ala559Pro (NM_001413025.1); c.667G>C, p.Ala223Pro (NM_001413027.1, NM_001413030.1, NM_001413032.1 and 1 more transcripts); c.1453G>C, p.Ala485Pro (NM_001413029.1); c.1774G>C, p.Ala592Pro (NM_001413039.1); c.703G>C, p.Ala235Pro (NM_001413042.1); and 1 more; short protein forms A245P, A559P, A485P, A592P, A602P, A113P, A223P, A235P.
Identifiers: ClinVar variation 2156609 (VCV002156609.4), dbSNP rs1827825605, ClinGen allele CA372680876.

ClinVar aggregate classification (germline): Uncertain significance (1 of 4 stars; one submission).

Conditions:
Baller-Gerold syndrome (BGS). Also called: CRANIOSYNOSTOSIS WITH RADIAL DEFECTS. Identifiers: Orphanet 1225, MedGen C0265308, MONDO:0009039, OMIM 218600.

Allele frequency attached by ClinVar (database versions not stated): gnomAD exomes below 0.00001.
gnomAD v4.1: 1 of 1,612,186 alleles (0.000062%); highest among the groups gnomAD compares: Non-Finnish European, 0.000085%; no homozygotes.

Submission:

Labcorp Genetics (formerly Invitae), Labcorp
Classification: Uncertain significance for Baller-Gerold syndrome. Last evaluated: 2022-02-03. Review status: criteria provided, single submitter. Criteria: Invitae Variant Classification Sherloc (09022015). Collection method: clinical testing. Allele origin: germline.
Comment: This variant is not present in population databases (gnomAD no frequency). In summary, the available evidence is currently insufficient to determine the role of this variant in disease. Therefore, it has been classified as a Variant of Uncertain Significance. Experimental studies and prediction algorithms are not available or were not evaluated, and the functional significance of this variant is currently unknown. This variant has not been reported in the literature in individuals affected with RECQL4-related conditions. This sequence change replaces alanine, which is neutral and non-polar, with proline, which is neutral and non-polar, at codon 602 of the RECQL4 protein (p.Ala602Pro).